The following is an entry in ClinVar:

NM_003560.4(PLA2G6):c.1924A>G (p.Thr642Ala)

Gene: PLA2G6 (phospholipase A2 group VI; minus strand). Cytogenetic location: 22q13.1.
Variant type: single nucleotide variant.
Coding change: c.1924A>G on transcript NM_003560.4 (MANE Select); coding-DNA position 1924, A replaced by G.
Protein change: p.Thr642Ala; replaces threonine 642 with alanine.
Molecular consequence: missense variant.
Genome position (GRCh38, 1-based): chr22:38,115,637, T>C on the plus strand (A>G on the coding strand, the complement: PLA2G6 is on the minus strand). VCF-style: chr22-38115637-T-C. GRCh37 (hg19) VCF-style: chr22-38511644-T-C.
Other names: c.1762A>G, p.Thr588Ala (NM_001004426.3, NM_001199562.3, NM_001349865.2 and 1 more transcripts); c.1924A>G, p.Thr642Ala (NM_001349864.2); c.1390A>G, p.Thr464Ala (NM_001349867.2); c.1246A>G, p.Thr416Ala (NM_001349868.2); c.1228A>G, p.Thr410Ala (NM_001349869.2); short protein forms T410A, T416A, T464A, T588A, T642A.
Identifiers: ClinVar variation 3769285 (VCV003769285.3).

ClinVar aggregate classification (germline): Uncertain significance. Review status: criteria provided, multiple submitters, no conflicts (2 of 4 stars). 2 submissions from 2 submitters: Uncertain significance (2). Last evaluated 2025-01-03.

Conditions:
PLA2G6-associated neurodegeneration (PLAN). Also called: phospholipase A2-associated neurodegeneration. Identifiers: Orphanet 329303, MedGen CN204472, MONDO:0017998.

gnomAD v4.1: 8 of 1,600,008 alleles (0.0005%); highest among the groups gnomAD compares: African/African-American, 0.0013%; no homozygotes.

Submissions (2):

Women's Health and Genetics/Laboratory Corporation of America, LabCorp
Classification: Uncertain significance. Last evaluated: 2025-01-03. Review status: criteria provided, single submitter. Criteria: LabCorp Variant Classification Summary - May 2015. Collection method: clinical testing. Allele origin: germline.
Comment: Variant summary: PLA2G6 c.1924A>G (p.Thr642Ala) results in a non-conservative amino acid change in the encoded protein sequence. Five of five in-silico tools predict a damaging effect of the variant on protein function. The frequency data for this variant in gnomAD is considered unreliable, as metrics indicate poor data quality at this position. c.1924A>G has been reported in the literature in an individual affected with PLA2G6-related parkinsonism (Magrinelli_2022). These data do not allow any conclusion about variant significance. To our knowledge, no experimental evidence demonstrating an impact on protein function has been reported. The following publication has been ascertained in the context of this evaluation (PMID: 34622992). No submitters have cited clinical-significance assessments for this variant to ClinVar. Based on the evidence outlined above, the variant was classified as uncertain significance.

Department of Pathology and Laboratory Medicine, Sinai Health System
Classification: Uncertain significance for PLA2G6-associated neurodegeneration. Last evaluated: 2021-05-11. Review status: criteria provided, single submitter. Criteria: ACMG Guidelines, 2015. Collection method: research. Allele origin: germline.

Literature cited by the submitters: PubMed 34622992 (cited by Women's Health and Genetics/Laboratory Corporation of America, LabCorp).